The following is an entry in ClinVar:

NM_020937.4(FANCM):c.2215T>C (p.Trp739Arg)

Gene: FANCM (FA complementation group M; plus strand). Cytogenetic location: 14q21.2.
Variant type: single nucleotide variant.
Coding change: c.2215T>C on transcript NM_020937.4 (MANE Select); coding-DNA position 2215, T replaced by C.
Protein change: p.Trp739Arg; replaces tryptophan 739 with arginine.
Molecular consequence: missense variant.
Genome position (GRCh38, 1-based): chr14:45,173,109, T>C. VCF-style: chr14-45173109-T-C. GRCh37 (hg19) VCF-style: chr14-45642312-T-C.
Other names: c.2215T>C (NM_020937.2); c.2137T>C, p.Trp713Arg (NM_001308133.2); short protein forms W713R, W739R.
Identifiers: ClinVar variation 1024726 (VCV001024726.10), dbSNP rs1407263617, ClinGen allele CA389596697.

ClinVar aggregate classification (germline): Uncertain significance. Review status: criteria provided, multiple submitters, no conflicts (2 of 4 stars). 3 submissions from 3 submitters: Uncertain significance (3). Last evaluated 2025-08-11.

Conditions:
Fanconi anemia (FA). Also called: Fanconi's anemia. Identifiers: Orphanet 84, MedGen C0015625, MeSH D005199, MONDO:0019391.

Allele frequency attached by ClinVar (database versions not stated): gnomAD 0.00001; gnomAD exomes 0.00001; TOPMed 0.00001.

Submissions (3):

Labcorp Genetics (formerly Invitae), Labcorp
Classification: Uncertain significance for Fanconi anemia. Last evaluated: 2025-08-11. Review status: criteria provided, single submitter. Criteria: Invitae Variant Classification Sherloc (09022015). Collection method: clinical testing. Allele origin: germline.
Comment: This sequence change replaces tryptophan, which is neutral and slightly polar, with arginine, which is basic and polar, at codon 739 of the FANCM protein (p.Trp739Arg). This variant is present in population databases (no rsID available, gnomAD 0.007%). This variant has not been reported in the literature in individuals affected with FANCM-related conditions. ClinVar contains an entry for this variant (Variation ID: 1024726). An algorithm developed to predict the effect of missense changes on protein structure and function (PolyPhen-2) suggests that this variant is likely to be disruptive. In summary, the available evidence is currently insufficient to determine the role of this variant in disease. Therefore, it has been classified as a Variant of Uncertain Significance.

Blueprint Genetics
Classification: Uncertain significance. Last evaluated: 2024-10-16. Review status: criteria provided, single submitter. Criteria: ACMG Guidelines, 2015. Collection method: clinical testing. Allele origin: germline.

GeneDx
Classification: Uncertain significance. Last evaluated: 2023-04-24. Review status: criteria provided, single submitter. Criteria: GeneDx Variant Classification Process June 2021. Collection method: clinical testing. Allele origin: germline. Affected: yes.
Comment: Not observed at significant frequency in large population cohorts (gnomAD); In silico analysis supports that this missense variant has a deleterious effect on protein structure/function; Has not been previously published as pathogenic or benign to our knowledge